The following is an entry in ClinVar:

NM_001008537.3(NEXMIF):c.2098G>C (p.Val700Leu)

Gene: NEXMIF (neurite extension and migration factor; minus strand). Cytogenetic location: Xq13.3.
Variant type: single nucleotide variant.
Coding change: c.2098G>C on transcript NM_001008537.3 (MANE Select); coding-DNA position 2098, G replaced by C.
Protein change: p.Val700Leu; replaces valine 700 with leucine.
Molecular consequence: missense variant.
Genome position (GRCh38, 1-based): chrX:74,742,459, C>G on the plus strand (G>C on the coding strand, the complement: NEXMIF is on the minus strand). VCF-style: chrX-74742459-C-G. GRCh37 (hg19) VCF-style: chrX-73962294-C-G.
Other names: short protein forms V700L.
Identifiers: ClinVar variation 435598 (VCV000435598.26), dbSNP rs141776597, ClinGen allele CA10455077.

ClinVar aggregate classification (germline): Benign/Likely benign. Review status: criteria provided, multiple submitters, no conflicts (2 of 4 stars). 9 submissions from 9 submitters: Benign (3); Likely benign (3). 3 of the submissions do not count toward it. Last evaluated 2026-01-12.

Conditions:
NEXMIF-related disorder. Also called: NEXMIF-related condition.

Allele frequency attached by ClinVar (database versions not stated): gnomAD 0.00038 and 0.00042; 1000 Genomes Project 30x 0.00042; TOPMed 0.00043; gnomAD exomes 0.00044 and 0.00053; ExAC 0.00049; 1000 Genomes Project 0.00053; ESP Exome Variant Server 0.00085.
gnomAD v4.1: 620 of 1,208,489 alleles (0.051%); highest among the groups gnomAD compares: Non-Finnish European, 0.056%; no homozygotes.

Submissions (9):

Labcorp Genetics (formerly Invitae), Labcorp
Classification: Benign. Last evaluated: 2026-01-12. Review status: criteria provided, single submitter. Criteria: Invitae Variant Classification Sherloc (09022015). Collection method: clinical testing. Allele origin: germline.

Blueprint Genetics
Classification: Likely benign. Last evaluated: 2024-11-27. Review status: criteria provided, single submitter. Criteria: ACMG Guidelines, 2015. Collection method: clinical testing. Allele origin: germline.

Ambry Genetics
Classification: Benign. Last evaluated: 2019-12-20. Review status: criteria provided, single submitter. Criteria: Ambry Variant Classification Scheme 2023. Collection method: clinical testing. Allele origin: germline.

GeneDx
Classification: Benign. Last evaluated: 2019-08-09. Review status: criteria provided, single submitter. Criteria: GeneDx Variant Classification Process June 2021. Collection method: clinical testing. Allele origin: germline. Affected: yes.

Genetic Services Laboratory, University of Chicago
Classification: Likely benign. Last evaluated: 2016-02-11. Review status: criteria provided, single submitter. Criteria: ACMG Guidelines, 2015. Collection method: clinical testing. Allele origin: germline. Affected: no.

Breakthrough Genomics
Classification: Likely benign. Review status: criteria provided, single submitter. Criteria: ACMG Guidelines, 2015. Collection method: not provided. Allele origin: germline. Inheritance: X-linked inheritance. Affected: yes.

PreventionGenetics, part of Exact Sciences
Classification: Likely benign for NEXMIF-related condition. Last evaluated: 2019-10-24. Review status: no assertion criteria provided. Collection method: clinical testing. Allele origin: germline. Not counted in ClinVar's aggregate classification.
Comment: This variant is classified as likely benign based on ACMG/AMP sequence variant interpretation guidelines (Richards et al. 2015 PMID: 25741868, with internal and published modifications).

Clinical Genetics DNA and cytogenetics Diagnostics Lab, Erasmus MC, Erasmus Medical Center
Classification: Likely benign. Review status: no assertion criteria provided. Collection method: clinical testing. Allele origin: germline. Affected: yes. Study: VKGL Data-share Consensus. Not counted in ClinVar's aggregate classification.

Genome Diagnostics Laboratory, University Medical Center Utrecht
Classification: Likely benign. Review status: no assertion criteria provided. Collection method: clinical testing. Allele origin: germline. Affected: yes. Study: VKGL Data-share Consensus. Not counted in ClinVar's aggregate classification.